The following is an entry in ClinVar:

ClinVar aggregate classification (germline): Uncertain significance (1 of 4 stars; one submission).

Conditions:
Hereditary cancer-predisposing syndrome. Also called: Neoplastic Syndromes, Hereditary; Tumor predisposition; Hereditary Cancer Syndrome; Hereditary neoplastic syndrome. Identifiers: Orphanet 140162, MedGen C0027672, MeSH D009386, MONDO:0015356.

gnomAD v4.1: 1 of 1,613,924 alleles (0.000062%); highest among the groups gnomAD compares: South Asian, 0.0011%; no homozygotes.

Submission:

Ambry Genetics
Classification: Uncertain significance for Hereditary cancer-predisposing syndrome. Last evaluated: 2025-12-07. Review status: criteria provided, single submitter. Criteria: Ambry Variant Classification Scheme 2023. Collection method: clinical testing. Allele origin: germline.
Comment: The p.M297I variant (also known as c.891G>A), located in coding exon 8 of the FANCC gene, results from a G to A substitution at nucleotide position 891. The methionine at codon 297 is replaced by isoleucine, an amino acid with highly similar properties. This amino acid position is conserved. In addition, this alteration is predicted to be tolerated by in silico analysis. Based on the available evidence, the clinical significance of this variant remains unclear.

NM_000136.3(FANCC):c.891G>A (p.Met297Ile)

Genes: AOPEP (aminopeptidase O (putative); plus strand), FANCC (FA complementation group C; minus strand). Cytogenetic location: 9q22.32.
Variant type: single nucleotide variant.
Coding change: c.891G>A on transcript NM_000136.3 (MANE Select); coding-DNA position 891, G replaced by A.
Protein change: p.Met297Ile; replaces methionine 297 with isoleucine.
Molecular consequence: missense variant.
Genome position (GRCh38, 1-based): chr9:95,126,534, C>T on the plus strand (G>A on the coding strand, the complement: FANCC is on the minus strand). VCF-style: chr9-95126534-C-T. GRCh37 (hg19) VCF-style: chr9-97888816-C-T.
Other names: c.891G>A, p.Met297Ile (NM_001243743.2, NM_001243744.2); short protein forms M297I.
Identifiers: ClinVar variation 4640711 (VCV004640711.1).